The following is an entry in ClinVar:

NM_001009944.3(PKD1):c.12608_12635del (p.Arg4203fs)

Gene: PKD1 (polycystin 1, transient receptor potential channel interacting; minus strand). Cytogenetic location: 16p13.3.
Variant type: Deletion.
Coding change: c.12608_12635del on transcript NM_001009944.3 (MANE Select); coding-DNA positions 12608 to 12635, 28 bases deleted (GGCTGGGGACAAGGTGTGAGCCTGAGCC).
Protein change: p.Arg4203fs; shifts the reading frame from arginine 4203.
Molecular consequence: frameshift variant.
Genome position (GRCh38, 1-based): chr16:2,090,004-2,090,031, GGCTCAGGCTCACACCTTGTCCCCAGCC deleted on the plus strand (GGCTGGGGACAAGGTGTGAGCCTGAGCC on the coding strand, the reverse complement: PKD1 is on the minus strand); deleting any 28 consecutive bases within chr16:2,090,004-2,090,034 gives the same sequence; the c. name uses the placement nearest the transcript's 3' end. VCF-style (leftmost placement, unchanged base first): chr16-2090003-GGGCTCAGGCTCACACCTTGTCCCCAGCC-G. GRCh37 (hg19) VCF-style: chr16-2140004-GGGCTCAGGCTCACACCTTGTCCCCAGCC-G.
Other names: c.12608_12635del28 (NM_001009944.3, NM_001009944.2); c.12605_12632del (NM_000296.3); c.12605_12632del, p.Arg4202fs (NM_000296.4); c.12605_12632del28, p.Arg4203Profs (NM_001009944.2); c.12605_12632del28 (NM_000296.3); short protein forms R4202fs, R4203fs.
Identifiers: ClinVar variation 1706224 (VCV001706224.12), dbSNP rs2544578227, ClinGen allele CA913185992.

ClinVar aggregate classification (germline): Pathogenic. Review status: criteria provided, multiple submitters, no conflicts (2 of 4 stars). 9 submissions from 9 submitters: Pathogenic (9). Last evaluated 2026-07-02.

Conditions:
Inborn genetic diseases. Identifiers: MedGen C0950123, MeSH D030342.
PKD1-related disorder. Also called: PKD1-related condition.
Polycystic kidney disease, adult type (PKD1). Also called: POLYCYSTIC KIDNEY DISEASE 1 WITH OR WITHOUT POLYCYSTIC LIVER DISEASE; POLYCYSTIC KIDNEY DISEASE, ADULT, TYPE I; Polycystic Kidney, Autosomal Dominant; Polycystic Kidney Disease 1, Autosomal Dominant; Polycystic kidney disease 1; Polycystic kidney disease 1, severe. Identifiers: MedGen C3149841, MONDO:0008263, OMIM 173900.

Submissions (9):

Women's Health and Genetics/Laboratory Corporation of America, LabCorp
Classification: Pathogenic for Polycystic kidney disease, adult type. Last evaluated: 2026-07-02. Review status: criteria provided, single submitter. Criteria: LabCorp Variant Classification Summary - May 2015. Collection method: clinical testing. Allele origin: germline.
Comment: Variant summary: PKD1 c.12608_12635del28 (p.Arg4203ProfsX146) causes a frameshift which results in an extension of the protein. The variant was absent in 238944 control chromosomes. c.12608_12635del28 has been observed in multiple individuals affected with Polycystic Kidney Disease 1. These data indicate that the variant is very likely to be associated with disease (example, Brazdziunaite_2026, Yu_2022, Wang_2014, Liu_2015). To our knowledge, no experimental evidence demonstrating an impact on protein function has been reported. The following publications have been ascertained in the context of this evaluation (PMID: 40760778, 26274329, 24821069, 35778421). ClinVar contains an entry for this variant (Variation ID: 1706224). Based on the evidence outlined above, the variant was classified as pathogenic.

PreventionGenetics, part of Exact Sciences
Classification: Pathogenic for PKD1-related condition. Last evaluated: 2026-02-10. Review status: criteria provided, single submitter. Criteria: ACMG Guidelines, 2015. Collection method: clinical testing. Allele origin: germline.
Comment: The PKD1 c.12608_12635del28 variant is predicted to result in a frameshift and premature protein termination (p.Arg4203Profs*146). This variant is predicted to result in a protein elongation p.Arg4203Profs*146 (the normal last codon is p.Thr4303). This variant has been widely reported in individuals with autosomal dominant polycystic kidney disease (ADPKD) (see for example, Table S4 of Audrézet et al. 2012. PubMed ID: 22508176; Neumann et al. 2013. PubMed ID: 23300259; Table S2 of Pandita et al. 2019. PubMed ID: 30816285). This variant has not been reported in a large population database (gnomAD), indicating this variant is rare. This variant is interpreted as pathogenic.

GeneDx
Classification: Pathogenic. Last evaluated: 2025-09-23. Review status: criteria provided, single submitter. Criteria: GeneDx Variant Classification Process June 2021. Collection method: clinical testing. Allele origin: germline.
Comment: Frameshift variant predicted to result in abnormal protein length as the last 101 amino acid(s) are replaced with 145 different amino acid(s), and other similar variants have been reported in HGMD; Not observed at significant frequency in large population cohorts (gnomAD); This variant is associated with the following publications: (PMID: 22508176, 30816285, 23300259, 32097206, 24821069)

Ambry Genetics
Classification: Pathogenic for Inborn genetic diseases. Last evaluated: 2024-08-27. Review status: criteria provided, single submitter. Criteria: Ambry Variant Classification Scheme 2023. Collection method: clinical testing. Allele origin: germline.
Comment: The c.12605_12632del28 (p.R4202Pfs*146) alteration, located in exon 46 (coding exon 46) of the PKD1 gene, consists of a deletion of 28 nucleotides from position 12605 to 12632, causing a translational frameshift with a predicted alternate stop codon after 146 amino acids. This alteration occurs at the 3' terminus of the PKD1 gene, is not expected to trigger nonsense-mediated mRNA decay and results in the elongation of the protein by 44 amino acids. This frameshift impacts the last 101 amino acids of the native protein. However, frameshifts are typically deleterious in nature and the impacted region is critical for protein function (Ambry internal data). This variant was not reported in population-based cohorts in the Genome Aggregation Database (gnomAD). This variant was reported in multiple individuals with features consistent with polycystic kidney disease, including one individual determined to be the result of a de novo mutation (Kim, 2019; Audr&eacute;zet, 2012; Wang, 2014). Based on the available evidence, this alteration is classified as pathogenic.

Fulgent Genetics
Classification: Pathogenic for Polycystic kidney disease, adult type. Last evaluated: 2024-06-12. Review status: criteria provided, single submitter. Criteria: ACMG Guidelines, 2015. Collection method: clinical testing. Allele origin: germline.

Athena Diagnostics
Classification: Pathogenic. Last evaluated: 2023-11-17. Review status: criteria provided, single submitter. Criteria: Athena Diagnostics Criteria. Collection method: clinical testing. Allele origin: unknown.
Comment: This variant is expected to result in the loss of a functional protein. This variant has been identified in multiple unrelated individuals with clinical features associated with this gene. This variant segregates with polycystic kidney disease in at least one family and has also been seen in at least one de novo case. This variant has not been reported in large, multi-ethnic general populations.

Blueprint Genetics
Classification: Pathogenic for PKD1-related disorders. Last evaluated: 2022-12-27. Review status: criteria provided, single submitter. Criteria: ACMG Guidelines, 2015. Collection method: clinical testing. Allele origin: germline. Affected: yes. Observed: 2 variant alleles.

Baylor Genetics
Classification: Pathogenic for Polycystic kidney disease, adult type. Last evaluated: 2022-08-24. Review status: criteria provided, single submitter. Criteria: ACMG Guidelines, 2015. Collection method: clinical testing. Allele origin: unknown.

Department of Pathology and Laboratory Medicine, Sinai Health System
Classification: Pathogenic for Polycystic kidney disease, adult type. Last evaluated: 2017-09-27. Review status: criteria provided, single submitter. Criteria: ACMG Guidelines, 2015. Collection method: clinical testing. Allele origin: germline. Affected: yes.

Literature cited by the submitters: PubMed 26274329 (cited by Women's Health and Genetics/Laboratory Corporation of America, LabCorp and Athena Diagnostics); PubMed 35778421 (cited by Women's Health and Genetics/Laboratory Corporation of America, LabCorp); PubMed 40760778 (cited by Women's Health and Genetics/Laboratory Corporation of America, LabCorp); PubMed 24821069 (cited by 3 submitters); PubMed 22508176 (cited by 3 submitters); PubMed 31740684 (cited by Ambry Genetics and Athena Diagnostics); PubMed 30816285 (cited by Athena Diagnostics); PubMed 23300259 (cited by Athena Diagnostics); PubMed 32097206 (cited by Athena Diagnostics); PubMed 34739738 (cited by Athena Diagnostics); PubMed 22383692 (cited by Athena Diagnostics).